The following is an entry in ClinVar:

ClinVar aggregate classification (germline): Pathogenic/Likely pathogenic. Review status: criteria provided, multiple submitters, no conflicts (2 of 4 stars). 2 submissions from 2 submitters: Pathogenic (1); Likely pathogenic (1). Last evaluated 2023-12-18.

Conditions:
Tuberous sclerosis 1 (TSC1). Identifiers: Orphanet 805, MedGen C1854465, MONDO:0008612, OMIM 191100.

Submissions (2):

Labcorp Genetics (formerly Invitae), Labcorp
Classification: Pathogenic for Tuberous sclerosis 1. Last evaluated: 2023-12-18. Review status: criteria provided, single submitter. Criteria: Invitae Variant Classification Sherloc (09022015). Collection method: clinical testing. Allele origin: germline.
Comment: This sequence change affects an acceptor splice site in intron 15 of the TSC1 gene. It is expected to disrupt RNA splicing. Variants that disrupt the donor or acceptor splice site typically lead to a loss of protein function (PMID: 16199547), and loss-of-function variants in TSC1 are known to be pathogenic (PMID: 10227394, 17304050). This variant is not present in population databases (gnomAD no frequency). Disruption of this splice site has been observed in individuals with clinical features of tuberous sclerosis complex (PMID: 29432982; Invitae). ClinVar contains an entry for this variant (Variation ID: 810457). Algorithms developed to predict the effect of sequence changes on RNA splicing suggest that this variant may disrupt the consensus splice site. For these reasons, this variant has been classified as Pathogenic.

CeGaT Center for Human Genetics Tuebingen
Classification: Likely pathogenic. Last evaluated: 2017-10-01. Review status: criteria provided, single submitter. Criteria: CeGaT Center For Human Genetics Tuebingen Variant Classification Criteria Version 2. Collection method: clinical testing. Allele origin: germline. Affected: yes. Observed: 1 variant allele.

Literature cited by the submitters: PubMed 16199547 (cited by Labcorp Genetics (formerly Invitae), Labcorp); PubMed 10227394 (cited by Labcorp Genetics (formerly Invitae), Labcorp); PubMed 17304050 (cited by Labcorp Genetics (formerly Invitae), Labcorp); PubMed 29432982 (cited by Labcorp Genetics (formerly Invitae), Labcorp).

NM_000368.5(TSC1):c.1998-2A>C

Gene: TSC1 (TSC complex subunit 1; minus strand). Cytogenetic location: 9q34.13.
Variant type: single nucleotide variant.
Coding change: c.1998-2A>C on transcript NM_000368.5 (MANE Select); the canonical splice acceptor site of the intron before coding-DNA position 1998, A replaced by C.
Molecular consequence: splice acceptor variant.
Genome position (GRCh38, 1-based): chr9:132,904,456, T>G on the plus strand (A>C on the coding strand, the complement: TSC1 is on the minus strand). VCF-style: chr9-132904456-T-G. GRCh37 (hg19) VCF-style: chr9-135779843-T-G.
Other names: c.1632-2A>C (NM_001406620.1, NM_001406625.1, NM_001406621.1 and 2 more transcripts); c.1635-2A>C (NM_001406618.1, NM_001406617.1, NM_001406619.1 and 5 more transcripts); c.1842-2A>C (NM_001406613.1, NM_001406612.1, NM_001406611.1); c.1845-2A>C (NM_001406610.1, NM_001162427.2); c.1044-2A>C (NM_001406627.1, NM_001406628.1); c.945-2A>C (NM_001406629.1, NM_001406630.1); c.1995-2A>C (NM_001406603.1, NM_001406609.1, NM_001406597.1 and 6 more transcripts); c.1998-2A>C (NM_001406602.1, NM_001406606.1, NM_001406592.1 and 7 more transcripts); and 1 more.
Identifiers: ClinVar variation 810457 (VCV000810457.45), dbSNP rs1057518217, ClinGen allele CA375361551.